The following is an entry in ClinVar:

NM_018127.7(ELAC2):c.1524C>T (p.Pro508=)

Gene: ELAC2 (elaC ribonuclease Z 2; minus strand). Cytogenetic location: 17p12.
Variant type: single nucleotide variant.
Coding change: c.1524C>T on transcript NM_018127.7 (MANE Select); coding-DNA position 1524, C replaced by T.
Protein change: p.Pro508=; no amino-acid change (proline 508 retained).
Molecular consequence: synonymous variant.
Genome position (GRCh38, 1-based): chr17:12,996,682, G>A on the plus strand (C>T on the coding strand, the complement: ELAC2 is on the minus strand). VCF-style: chr17-12996682-G-A. GRCh37 (hg19) VCF-style: chr17-12899999-G-A.
Other names: c.1404C>T, p.Pro468= (NM_001165962.2); c.1521C>T, p.Pro507= (NM_173717.2).
Identifiers: ClinVar variation 1581971 (VCV001581971.34), dbSNP rs746298894, ClinGen allele CA8401162.

ClinVar aggregate classification (germline): Likely benign. Review status: criteria provided, multiple submitters, no conflicts (2 of 4 stars). 4 submissions from 4 submitters: Likely benign (4). Last evaluated 2026-01-14.

Conditions:
Combined oxidative phosphorylation defect type 17. Also called: Combined oxidative phosphorylation deficiency 17. Identifiers: Orphanet 369913, MedGen C3809526, MONDO:0014190, OMIM 615440.

Allele frequency attached by ClinVar (database versions not stated): gnomAD 0.00001 and 0.00003; TOPMed 0.00004; gnomAD exomes 0.00006; ExAC 0.00010.
gnomAD v4.1: 63 of 1,613,214 alleles (0.0039%); highest among the groups gnomAD compares: Middle Eastern, 0.05%; no homozygotes.

Submissions (4):

Labcorp Genetics (formerly Invitae), Labcorp
Classification: Likely benign for Combined oxidative phosphorylation defect type 17. Last evaluated: 2026-01-14. Review status: criteria provided, single submitter. Criteria: Invitae Variant Classification Sherloc (09022015). Collection method: clinical testing. Allele origin: germline.

Blueprint Genetics
Classification: Likely benign. Last evaluated: 2024-09-30. Review status: criteria provided, single submitter. Criteria: ACMG Guidelines, 2015. Collection method: clinical testing. Allele origin: germline.

CeGaT Center for Human Genetics Tuebingen
Classification: Likely benign. Last evaluated: 2022-12-01. Review status: criteria provided, single submitter. Criteria: CeGaT Center For Human Genetics Tuebingen Variant Classification Criteria Version 2. Collection method: clinical testing. Allele origin: germline. Affected: yes. Observed: 1 variant allele.
Comment: ELAC2: BP4, BP7

Breakthrough Genomics
Classification: Likely benign. Review status: criteria provided, single submitter. Criteria: ACMG Guidelines, 2015. Collection method: not provided. Allele origin: germline. Inheritance: Autosomal recessive inheritance. Affected: yes.